The following is an entry in ClinVar:

NM_005883.3(APC2):c.4096C>T (p.Arg1366Cys)

Gene: APC2 (APC regulator of Wnt signaling pathway 2; plus strand). Cytogenetic location: 19p13.3.
Variant type: single nucleotide variant.
Coding change: c.4096C>T on transcript NM_005883.3 (MANE Select); coding-DNA position 4096, C replaced by T.
Protein change: p.Arg1366Cys; replaces arginine 1366 with cysteine.
Molecular consequence: missense variant.
Genome position (GRCh38, 1-based): chr19:1,467,397, C>T. VCF-style: chr19-1467397-C-T. GRCh37 (hg19) VCF-style: chr19-1467396-C-T.
Other names: c.4093C>T, p.Arg1365Cys (NM_001351273.1); short protein forms R1365C, R1366C.
Identifiers: ClinVar variation 4780198 (VCV004780198.1).

ClinVar aggregate classification (germline): Uncertain significance (1 of 4 stars; one submission).

gnomAD v4.1: 1 of 1,488,168 alleles (0.000067%); highest among the groups gnomAD compares: Admixed American, 0.0022%; no homozygotes.

Submission:

Labcorp Genetics (formerly Invitae), Labcorp
Classification: Uncertain significance. Last evaluated: 2025-04-21. Review status: criteria provided, single submitter. Criteria: Invitae Variant Classification Sherloc (09022015). Collection method: clinical testing. Allele origin: germline.
Comment: This sequence change replaces arginine, which is basic and polar, with cysteine, which is neutral and slightly polar, at codon 1366 of the APC2 protein (p.Arg1366Cys). The frequency data for this variant in the population databases is considered unreliable, as metrics indicate poor data quality at this position in the gnomAD database. This variant has not been reported in the literature in individuals affected with APC2-related conditions. Invitae Evidence Modeling of protein sequence and biophysical properties (such as structural, functional, and spatial information, amino acid conservation, physicochemical variation, residue mobility, and thermodynamic stability) indicates that this missense variant is not expected to disrupt APC2 protein function with a negative predictive value of 80%. In summary, the available evidence is currently insufficient to determine the role of this variant in disease. Therefore, it has been classified as a Variant of Uncertain Significance.